The following is an entry in ClinVar:

ClinVar aggregate classification (germline): Uncertain significance (1 of 4 stars; one submission).

Conditions:
Combined immunodeficiency due to ZAP70 deficiency (IMD48). Also called: Immunodeficiency 48; ZAP70 Deficiency. Identifiers: Orphanet 911, MedGen C2931299, MONDO:0010023, OMIM 269840.

Submission:

Labcorp Genetics (formerly Invitae), Labcorp
Classification: Uncertain significance for ZAP70-Related Severe Combined Immunodeficiency. Last evaluated: 2018-02-20. Review status: criteria provided, single submitter. Criteria: Invitae Variant Classification Sherloc (09022015). Collection method: clinical testing. Allele origin: germline.
Comment: This sequence change replaces isoleucine with valine at codon 477 of the ZAP70 protein (p.Ile477Val). The isoleucine residue is highly conserved and there is a small physicochemical difference between isoleucine and valine. This variant is not present in population databases (ExAC no frequency). This variant has not been reported in the literature in individuals with ZAP70-related disease. Algorithms developed to predict the effect of missense changes on protein structure and function do not agree on the potential impact of this missense change (SIFT: "Deleterious"; PolyPhen-2: "Probably Damaging"; Align-GVGD: "Class C0"). Algorithms developed to predict the effect of sequence changes on RNA splicing suggest that this variant may create or strengthen a splice site, but this prediction has not been confirmed by published transcriptional studies. In summary, the available evidence is currently insufficient to determine the role of this variant in disease. Therefore, it has been classified as a Variant of Uncertain Significance.

NM_001079.4(ZAP70):c.1429A>G (p.Ile477Val)

Gene: ZAP70 (zeta chain of T cell receptor associated protein kinase 70; plus strand). Cytogenetic location: 2q11.2.
Variant type: single nucleotide variant.
Coding change: c.1429A>G on transcript NM_001079.4 (MANE Select); coding-DNA position 1429, A replaced by G.
Protein change: p.Ile477Val; replaces isoleucine 477 with valine.
Molecular consequence: missense variant.
Genome position (GRCh38, 1-based): chr2:97,737,612, A>G. VCF-style: chr2-97737612-A-G. GRCh37 (hg19) VCF-style: chr2-98354075-A-G.
Other names: c.1429A>G, p.Ile477Val (NM_001378594.1); c.508A>G, p.Ile170Val (NM_207519.2); short protein forms I477V, I170V.
Identifiers: ClinVar variation 573039 (VCV000573039.1), dbSNP rs1559329401, ClinGen allele CA347803656.